The following is an entry in ClinVar:

NM_020762.4(SRGAP1):c.610C>A (p.Arg204=)

Gene: SRGAP1 (SLIT-ROBO Rho GTPase activating protein 1; plus strand). Cytogenetic location: 12q14.2.
Variant type: single nucleotide variant.
Coding change: c.610C>A on transcript NM_020762.4 (MANE Select); coding-DNA position 610, C replaced by A.
Protein change: p.Arg204=; no amino-acid change (arginine 204 retained).
Molecular consequence: synonymous variant.
Genome position (GRCh38, 1-based): chr12:64,042,910, C>A. VCF-style: chr12-64042910-C-A. GRCh37 (hg19) VCF-style: chr12-64436690-C-A.
Other names: c.610C>A, p.Arg204= (NM_001346201.2).
Identifiers: ClinVar variation 3772180 (VCV003772180.13).
Genomic context (GRCh38, chr12:64,042,910, plus strand): 5'-GAGGCCGAAAAACAAGAGGAAAAGCAAATTGGGAGATCTGGTGATCCAGTCTTCCATATT[C>A]GACTAGAGGAGAGACATCAACGGCGAAGCTCTGTAAAGAAAATTGAAAAAATGAAAGAAA-3'
Protein context (NP_065813.1, residues 194-214): GRSGDPVFHI[Arg204=]LEERHQRRSS

ClinVar aggregate classification (germline): Likely benign (1 of 4 stars; one submission).

gnomAD v4.1: 3 of 1,613,556 alleles (0.00019%); highest among the groups gnomAD compares: Non-Finnish European, 0.00025%; no homozygotes.

Submission:

CeGaT Center for Human Genetics Tuebingen
Classification: Likely benign. Last evaluated: 2025-01-01. Review status: criteria provided, single submitter. Criteria: CeGaT Center For Human Genetics Tuebingen Variant Classification Criteria Version 2. Collection method: clinical testing. Allele origin: germline. Affected: yes. Observed: 1 variant allele.
Comment: SRGAP1: BP4, BP7